The following is an entry in ClinVar:

NM_024596.5(MCPH1):c.634_638del (p.Ala212fs)

Gene: MCPH1 (microcephalin 1; plus strand). Cytogenetic location: 8p23.1.
Variant type: Deletion.
Coding change: c.634_638del on transcript NM_024596.5 (MANE Select); coding-DNA positions 634 to 638, 5 bases deleted (GCACC; older notation c.634_638delGCACC).
Protein change: p.Ala212fs; shifts the reading frame from alanine 212.
Molecular consequence: frameshift variant. On other transcripts: non-coding transcript variant (1).
Genome position (GRCh38, 1-based): chr8:6,442,120-6,442,124, GCACC deleted. VCF-style (leftmost placement, unchanged base first): chr8-6442119-AGCACC-A. GRCh37 (hg19) VCF-style: chr8-6299640-AGCACC-A.
Other names: c.634_638del, p.Ala212fs (NM_001172574.2, NM_001322042.2, NM_001363979.1 and 3 more transcripts); c.490_494del, p.Ala164fs (NM_001172575.2); c.628_632del, p.Ala210fs (NM_001322043.2); c.532_536del, p.Ala178fs (NM_001322045.2); short protein forms A164fs, A210fs, A212fs, A178fs.
Identifiers: ClinVar variation 2879698 (VCV002879698.3), dbSNP rs2486105584, ClinGen allele CA2739278720.

ClinVar aggregate classification (germline): Pathogenic (1 of 4 stars; one submission).

Submission:

Labcorp Genetics (formerly Invitae), Labcorp
Classification: Pathogenic. Last evaluated: 2023-03-01. Review status: criteria provided, single submitter. Criteria: Invitae Variant Classification Sherloc (09022015). Collection method: clinical testing. Allele origin: germline.
Comment: For these reasons, this variant has been classified as Pathogenic. Algorithms developed to predict the effect of sequence changes on RNA splicing suggest that this variant may disrupt the consensus splice site. This variant has not been reported in the literature in individuals affected with MCPH1-related conditions. This variant is not present in population databases (gnomAD no frequency). This sequence change creates a premature translational stop signal (p.Ala212Phefs*6) in the MCPH1 gene. It is expected to result in an absent or disrupted protein product. Loss-of-function variants in MCPH1 are known to be pathogenic (PMID: 20978018).

Literature cited by the submitters: PubMed 20978018.